The following is an entry in ClinVar:

NM_001211.6(BUB1B):c.254C>A (p.Thr85Lys)

Gene: BUB1B (BUB1 mitotic checkpoint serine/threonine kinase B; plus strand). Cytogenetic location: 15q15.1.
Variant type: single nucleotide variant.
Coding change: c.254C>A on transcript NM_001211.6 (MANE Select); coding-DNA position 254, C replaced by A.
Protein change: p.Thr85Lys; replaces threonine 85 with lysine.
Molecular consequence: missense variant.
Genome position (GRCh38, 1-based): chr15:40,170,551, C>A. VCF-style: chr15-40170551-C-A. GRCh37 (hg19) VCF-style: chr15-40462752-C-A.
Other names: short protein forms T85K.
Identifiers: ClinVar variation 2450805 (VCV002450805.2), dbSNP rs2542516652, ClinGen allele CA391678907.
Genomic context (GRCh38, chr15:40,170,551, plus strand): 5'-ACATGTTCAATTTAAAATGTGTTCTTATCTTTTTCCTCCCATTTAGGTATATCAGCTGGA[C>A]AGAGCAGAACTATCCTCAAGGTGGGAAGGAGAGTAATATGTCAACGTTATTAGAAAGAGC-3'
Protein context (NP_001202.5, residues 75-95): LDVWDRYISW[Thr85Lys]EQNYPQGGKE

ClinVar aggregate classification (germline): Uncertain significance (1 of 4 stars; one submission).

Conditions:
Inborn genetic diseases. Identifiers: MedGen C0950123, MeSH D030342.

Submission:

Ambry Genetics
Classification: Uncertain significance for Inborn genetic diseases. Last evaluated: 2022-11-10. Review status: criteria provided, single submitter. Criteria: Ambry Variant Classification Scheme 2023. Collection method: clinical testing. Allele origin: germline.
Comment: The p.T85K variant (also known as c.254C>A), located in coding exon 4 of the BUB1B gene, results from a C to A substitution at nucleotide position 254. The threonine at codon 85 is replaced by lysine, an amino acid with similar properties. This amino acid position is conserved. In addition, the in silico prediction for this alteration is inconclusive. Since supporting evidence is limited at this time, the clinical significance of this alteration remains unclear.